The following is an entry in ClinVar:

ClinVar aggregate classification (germline): Benign (0 of 4 stars; one submission).

Conditions:
PLXNB1-related disorder. Also called: PLXNB1-related condition.

Allele frequency attached by ClinVar (database versions not stated): 1000 Genomes Project 30x 0.00344; 1000 Genomes Project 0.00379.
gnomAD v4.1: 1,448 of 1,614,110 alleles (0.09%); highest among the groups gnomAD compares: East Asian, 3%; 26 homozygotes.

Submission:

PreventionGenetics, part of Exact Sciences
Classification: Benign for PLXNB1-related condition. Last evaluated: 2019-09-12. Review status: no assertion criteria provided. Collection method: clinical testing. Allele origin: germline.
Comment: This variant is classified as benign based on ACMG/AMP sequence variant interpretation guidelines (Richards et al. 2015 PMID: 25741868, with internal and published modifications).

NM_001130082.3(PLXNB1):c.5061C>T (p.Leu1687=)

Gene: PLXNB1 (plexin B1; minus strand). Cytogenetic location: 3p21.31.
Variant type: single nucleotide variant.
Coding change: c.5061C>T on transcript NM_001130082.3 (MANE Select); coding-DNA position 5061, C replaced by T.
Protein change: p.Leu1687=; no amino-acid change (leucine 1687 retained).
Molecular consequence: synonymous variant.
Genome position (GRCh38, 1-based): chr3:48,412,277, G>A on the plus strand (C>T on the coding strand, the complement: PLXNB1 is on the minus strand). VCF-style: chr3-48412277-G-A. GRCh37 (hg19) VCF-style: chr3-48453686-G-A.
Other names: c.5061C>T, p.Leu1687= (NM_002673.6).
Identifiers: ClinVar variation 3049899 (VCV003049899.2), dbSNP rs3214042, ClinGen allele CA2374045.
Genomic context (GRCh38, chr3:48,412,277, plus strand): 5'-TGTCCACCTCTGCCCCCTCACCCTCACGAAGGTATACAGACAGATGGACATCCAGTTGGT[G>A]AGCAGCTTCTCCACCACAGTCTCTGTCCTGAGATGATGGGAAAGGGGAGTGCCAGGGTCA-3'
Protein context (NP_001123554.1, residues 1677-1697): RRTETVVEKL[Leu1687=]TNWMSICLYT